The following is an entry in ClinVar:

NM_004519.4(KCNQ3):c.1885G>A (p.Val629Ile)

Gene: KCNQ3 (potassium voltage-gated channel subfamily Q member 3; minus strand). Cytogenetic location: 8q24.22.
Variant type: single nucleotide variant.
Coding change: c.1885G>A on transcript NM_004519.4 (MANE Select); coding-DNA position 1885, G replaced by A.
Protein change: p.Val629Ile; replaces valine 629 with isoleucine.
Molecular consequence: missense variant.
Genome position (GRCh38, 1-based): chr8:132,129,996, C>T on the plus strand (G>A on the coding strand, the complement: KCNQ3 is on the minus strand). VCF-style: chr8-132129996-C-T. GRCh37 (hg19) VCF-style: chr8-133142243-C-T.
Other names: c.1525G>A, p.Val509Ile (NM_001204824.2); short protein forms V629I, V509I.
Identifiers: ClinVar variation 449145 (VCV000449145.10), dbSNP rs185511111, ClinGen allele CA4880546.

ClinVar aggregate classification (germline): Conflicting classifications of pathogenicity. Review status: criteria provided, conflicting classifications (1 of 4 stars). 3 submissions from 3 submitters: Uncertain significance (1); Likely benign (2). Last evaluated 2025-12-22.

Conditions:
Inborn genetic diseases. Identifiers: MedGen C0950123, MeSH D030342.
Benign neonatal seizures. Also called: Convulsions benign familial neonatal dominant form; Autosomal dominant form of benign neonatal seizures; Benign familial neonatal epilepsy; Benign neonatal familial convulsions; Benign familial neonatal seizures. Identifiers: Orphanet 1949, MedGen C0220669, MONDO:0016027.

Allele frequency attached by ClinVar (database versions not stated): TOPMed 0.00008.
gnomAD v4.1: 27 of 1,612,984 alleles (0.0017%); highest among the groups gnomAD compares: Admixed American, 0.025%; no homozygotes.

Submissions (3):

Labcorp Genetics (formerly Invitae), Labcorp
Classification: Uncertain significance for Benign neonatal seizures. Last evaluated: 2025-12-22. Review status: criteria provided, single submitter. Criteria: Invitae Variant Classification Sherloc (09022015). Collection method: clinical testing. Allele origin: germline.
Comment: This sequence change replaces valine, which is neutral and non-polar, with isoleucine, which is neutral and non-polar, at codon 629 of the KCNQ3 protein (p.Val629Ile). This variant is present in population databases (rs185511111, gnomAD 0.03%). This missense change has been observed in individual(s) with clinical features of KCNQ3-related conditions (internal data). ClinVar contains an entry for this variant (Variation ID: 449145). An algorithm developed to predict the effect of missense changes on protein structure and function (PolyPhen-2) suggests that this variant is likely to be disruptive. In summary, the available evidence is currently insufficient to determine the role of this variant in disease. Therefore, it has been classified as a Variant of Uncertain Significance.

Ambry Genetics
Classification: Likely benign for Inborn genetic diseases. Last evaluated: 2021-06-30. Review status: criteria provided, single submitter. Criteria: Ambry Variant Classification Scheme 2023. Collection method: clinical testing. Allele origin: germline.

GeneDx
Classification: Likely benign. Last evaluated: 2021-06-22. Review status: criteria provided, single submitter. Criteria: GeneDx Variant Classification Process June 2021. Collection method: clinical testing. Allele origin: germline. Affected: yes.